The following is an entry in ClinVar:

NM_001378778.1(MPDZ):c.5304G>C (p.Gln1768His)

Gene: MPDZ (multiple PDZ domain crumbs cell polarity complex component; minus strand). Cytogenetic location: 9p23.
Variant type: single nucleotide variant.
Coding change: c.5304G>C on transcript NM_001378778.1 (MANE Select); coding-DNA position 5304, G replaced by C.
Protein change: p.Gln1768His; replaces glutamine 1768 with histidine.
Molecular consequence: missense variant.
Genome position (GRCh38, 1-based): chr9:13,119,577, C>G on the plus strand (G>C on the coding strand, the complement: MPDZ is on the minus strand). VCF-style: chr9-13119577-C-G. GRCh37 (hg19) VCF-style: chr9-13119576-C-G.
Other names: c.5205G>C, p.Gln1735His (NM_001261406.2, NM_001261407.2, NM_001375416.1 and 3 more transcripts); c.5304G>C, p.Gln1768His (NM_001330637.2, NM_003829.5); c.5403G>C, p.Gln1801His (NM_001375413.1); c.5094G>C, p.Gln1698His (NM_001375420.1, NM_001375421.1, NM_001375422.1 and 4 more transcripts); c.4896G>C, p.Gln1632His (NM_001375427.1); short protein forms Q1632H, Q1801H, Q1698H, Q1735H, Q1768H.
Identifiers: ClinVar variation 1932626 (VCV001932626.5), dbSNP rs755913293, ClinGen allele CA4986355.

ClinVar aggregate classification (germline): Uncertain significance (1 of 4 stars; one submission).

Allele frequency attached by ClinVar (database versions not stated): TOPMed below 0.00001; ExAC 0.00001; gnomAD 0.00001; gnomAD exomes 0.00001.
gnomAD v4.1: 16 of 1,613,894 alleles (0.00099%); highest among the groups gnomAD compares: South Asian, 0.0044%; no homozygotes.

Submission:

Labcorp Genetics (formerly Invitae), Labcorp
Classification: Uncertain significance. Last evaluated: 2022-05-20. Review status: criteria provided, single submitter. Criteria: Invitae Variant Classification Sherloc (09022015). Collection method: clinical testing. Allele origin: germline.
Comment: In summary, the available evidence is currently insufficient to determine the role of this variant in disease. Therefore, it has been classified as a Variant of Uncertain Significance. Algorithms developed to predict the effect of missense changes on protein structure and function are either unavailable or do not agree on the potential impact of this missense change (SIFT: "Deleterious"; PolyPhen-2: "Possibly Damaging"; Align-GVGD: "Class C15"). This variant has not been reported in the literature in individuals affected with MPDZ-related conditions. This variant is present in population databases (rs755913293, gnomAD 0.002%). This sequence change replaces glutamine, which is neutral and polar, with histidine, which is basic and polar, at codon 1768 of the MPDZ protein (p.Gln1768His).